The following is an entry in ClinVar:

NM_001384732.1(CPLANE1):c.651G>T (p.Trp217Cys)

Gene: CPLANE1 (ciliogenesis and planar polarity effector complex subunit 1; minus strand). Cytogenetic location: 5p13.2.
Variant type: single nucleotide variant.
Coding change: c.651G>T on transcript NM_001384732.1 (MANE Select); coding-DNA position 651, G replaced by T.
Protein change: p.Trp217Cys; replaces tryptophan 217 with cysteine.
Molecular consequence: missense variant.
Genome position (GRCh38, 1-based): chr5:37,243,039, C>A on the plus strand (G>T on the coding strand, the complement: CPLANE1 is on the minus strand). VCF-style: chr5-37243039-C-A. GRCh37 (hg19) VCF-style: chr5-37243141-C-A.
Other names: c.651G>T, p.Trp217Cys (NM_023073.4); short protein forms W217C.
Identifiers: ClinVar variation 2099127 (VCV002099127.4), dbSNP rs752753204, ClinGen allele CA359518961.

ClinVar aggregate classification (germline): Uncertain significance (1 of 4 stars; one submission).

Submission:

Labcorp Genetics (formerly Invitae), Labcorp
Classification: Uncertain significance. Last evaluated: 2022-11-01. Review status: criteria provided, single submitter. Criteria: Invitae Variant Classification Sherloc (09022015). Collection method: clinical testing. Allele origin: germline.
Comment: This variant is not present in population databases (gnomAD no frequency). This variant has not been reported in the literature in individuals affected with CPLANE1-related conditions. Advanced modeling of protein sequence and biophysical properties (such as structural, functional, and spatial information, amino acid conservation, physicochemical variation, residue mobility, and thermodynamic stability) performed at Invitae indicates that this missense variant is expected to disrupt CPLANE1 protein function. In summary, the available evidence is currently insufficient to determine the role of this variant in disease. Therefore, it has been classified as a Variant of Uncertain Significance. This sequence change replaces tryptophan, which is neutral and slightly polar, with cysteine, which is neutral and slightly polar, at codon 217 of the CPLANE1 protein (p.Trp217Cys).